The following is an entry in ClinVar:

ClinVar aggregate classification (germline): Likely pathogenic (1 of 4 stars; one submission).

Conditions:
Focal segmental glomerulosclerosis 1 (FSGS1). Identifiers: Orphanet 656, MedGen C4551527, MONDO:0011303, OMIM 603278.

gnomAD v4.1: 2 of 1,613,954 alleles (0.00012%); no homozygotes.

Submission:

MVZ Medizinische Genetik Mainz
Classification: Likely pathogenic for Focal segmental glomerulosclerosis 1. Last evaluated: 2025-04-28. Review status: criteria provided, single submitter. Criteria: UK Practice Guidelines For Variant Classification V4 01 2020. Collection method: clinical testing. Allele origin: germline. Inheritance: Autosomal dominant inheritance. Affected: yes. Observed: 1 variant allele.
Comment: ACMG Criteria: PM1,PP3_MOD,PM2_SUP,PP2

NM_004924.6(ACTN4):c.757G>A (p.Asp253Asn)

Gene: ACTN4 (actinin alpha 4; plus strand). Cytogenetic location: 19q13.2.
Variant type: single nucleotide variant.
Coding change: c.757G>A on transcript NM_004924.6 (MANE Select); coding-DNA position 757, G replaced by A.
Protein change: p.Asp253Asn; replaces aspartic acid 253 with asparagine.
Molecular consequence: missense variant. On other transcripts: intron variant (2).
Genome position (GRCh38, 1-based): chr19:38,710,280, G>A. VCF-style: chr19-38710280-G-A. GRCh37 (hg19) VCF-style: chr19-39200920-G-A.
Other names: c.733+804G>A (NM_001411143.1, NM_001322033.2); short protein forms D253N.
Identifiers: ClinVar variation 3900730 (VCV003900730.1).